The following is an entry in ClinVar:

ClinVar aggregate classification (germline): Likely pathogenic. Review status: criteria provided, single submitter (1 of 4 stars). 2 submissions from 2 submitters: Likely pathogenic (1). 1 of the submissions does not count toward it. Last evaluated 2025-10-27.

Conditions:
Medium-chain acyl-coenzyme A dehydrogenase deficiency (ACADMD). Also called: ACADM DEFICIENCY; CARNITINE DEFICIENCY SECONDARY TO MEDIUM-CHAIN ACYL-CoA DEHYDROGENASE DEFICIENCY; MCADH DEFICIENCY; MCADD; Medium chain acyl-CoA dehydrogenase deficiency; MCAD Deficiency. Identifiers: Orphanet 42, MedGen C0220710, MONDO:0008721, OMIM 201450.

Submissions (2):

Natera, Inc.
Classification: Likely pathogenic for Medium Chain Acyl-CoA Dehydrogenase Deficiency. Last evaluated: 2025-10-27. Review status: criteria provided, single submitter. Criteria: Natera Variant Classification Schema (03/2026). Collection method: clinical testing. Allele origin: germline.
Comment: The c.270_271del variant in ACADM is a frameshift variant predicted to shift the reading frame beginning at codon 91 and leads to a stop codon 13 codons downstream. This variant is expected to result in nonsense mediated decay, truncation, or a dysfunctional protein product. This variant is rare in the general population with a frequency below the threshold expected for the associated phenotype(s). Given the available evidence, this variant is classified as Likely Pathogenic.

Counsyl
Classification: Likely pathogenic for Medium-chain acyl-coenzyme A dehydrogenase deficiency. Last evaluated: 2016-01-25. Review status: no assertion criteria provided. Collection method: clinical testing. Allele origin: unknown. Not counted in ClinVar's aggregate classification.

NM_000016.6(ACADM):c.270_271del (p.Ile91fs)

Gene: ACADM (acyl-CoA dehydrogenase medium chain; plus strand). Cytogenetic location: 1p31.1.
Variant type: Microsatellite.
Coding change: c.270_271del on transcript NM_000016.6 (MANE Select); coding-DNA positions 270 to 271, 2 bases deleted (CA; older notation c.270_271delCA).
Protein change: p.Ile91fs; shifts the reading frame from isoleucine 91.
Molecular consequence: frameshift variant. On other transcripts: 5 prime UTR variant (1).
Genome position (GRCh38, 1-based): chr1:75,732,906-75,732,907, CA deleted; deleting any 2 consecutive bases within chr1:75,732,899-75,732,907 gives the same sequence; the c. name uses the placement nearest the transcript's 3' end. VCF-style (leftmost placement, unchanged base first): chr1-75732898-AAC-A. GRCh37 (hg19) VCF-style: chr1-76198583-AAC-A.
Other names: c.270_271del (NM_000016.5); c.282_283del, p.Ile95fs (NM_001127328.3); c.162_163del, p.Ile55fs (NM_001286042.2); c.270_271del, p.Ile91fs (NM_001286043.2); c.-122CA[3] (NM_001286044.2); short protein forms I55fs, I91fs, I95fs.
Identifiers: ClinVar variation 370359 (VCV000370359.4), dbSNP rs766173642, ClinGen allele CA16040776.
Genomic context (GRCh38, chr1:75,732,898, plus strand): 5'-TTCTTTTTCTTCTAGTATCCAGTCCCCCTAATTAGAAGAGCCTGGGAACTTGGTTTAATG[AAC>A]ACACACATTCCAGAGAACTGTGGTAAGCTTTCTTTATATTTTTAATACTGGAATGCATAT-3'